The following is an entry in ClinVar:

ClinVar aggregate classification (germline): Uncertain significance (1 of 4 stars; one submission).

Conditions:
L-2-hydroxyglutaric aciduria (L2HGA). Identifiers: Orphanet 79314, MedGen C1855995, MONDO:0009370, OMIM 236792, HP:0040144.

Submission:

Labcorp Genetics (formerly Invitae), Labcorp
Classification: Uncertain significance for L-2-hydroxyglutaric aciduria. Last evaluated: 2022-08-09. Review status: criteria provided, single submitter. Criteria: Invitae Variant Classification Sherloc (09022015). Collection method: clinical testing. Allele origin: germline.
Comment: ClinVar contains an entry for this variant (Variation ID: 1523354). Algorithms developed to predict the effect of missense changes on protein structure and function are either unavailable or do not agree on the potential impact of this missense change (SIFT: "Tolerated"; PolyPhen-2: "Probably Damaging"; Align-GVGD: "Class C0"). In summary, the available evidence is currently insufficient to determine the role of this variant in disease. Therefore, it has been classified as a Variant of Uncertain Significance. This variant has not been reported in the literature in individuals affected with L2HGDH-related conditions. This variant is not present in population databases (gnomAD no frequency). This sequence change replaces asparagine, which is neutral and polar, with lysine, which is basic and polar, at codon 159 of the L2HGDH protein (p.Asn159Lys).

NM_024884.3(L2HGDH):c.477T>G (p.Asn159Lys)

Gene: L2HGDH (L-2-hydroxyglutarate dehydrogenase; minus strand). Cytogenetic location: 14q21.3.
Variant type: single nucleotide variant.
Coding change: c.477T>G on transcript NM_024884.3 (MANE Select); coding-DNA position 477, T replaced by G.
Protein change: p.Asn159Lys; replaces asparagine 159 with lysine.
Molecular consequence: missense variant.
Genome position (GRCh38, 1-based): chr14:50,294,178, A>C on the plus strand (T>G on the coding strand, the complement: L2HGDH is on the minus strand). VCF-style: chr14-50294178-A-C. GRCh37 (hg19) VCF-style: chr14-50760896-A-C.
Other names: short protein forms N159K.
Identifiers: ClinVar variation 1523354 (VCV001523354.8), dbSNP rs2139192896, ClinGen allele CA389657121.